The following is an entry in ClinVar:

ClinVar aggregate classification (germline): Uncertain significance (1 of 4 stars; one submission).

Submission:

Labcorp Genetics (formerly Invitae), Labcorp
Classification: Uncertain significance. Last evaluated: 2023-10-03. Review status: criteria provided, single submitter. Criteria: Invitae Variant Classification Sherloc (09022015). Collection method: clinical testing. Allele origin: germline.
Comment: This sequence change replaces serine, which is neutral and polar, with leucine, which is neutral and non-polar, at codon 268 of the SPTBN2 protein (p.Ser268Leu). This variant is not present in population databases (gnomAD no frequency). This variant has not been reported in the literature in individuals affected with SPTBN2-related conditions. ClinVar contains an entry for this variant (Variation ID: 2116390). Advanced modeling of protein sequence and biophysical properties (such as structural, functional, and spatial information, amino acid conservation, physicochemical variation, residue mobility, and thermodynamic stability) performed at Invitae indicates that this missense variant is expected to disrupt SPTBN2 protein function. In summary, the available evidence is currently insufficient to determine the role of this variant in disease. Therefore, it has been classified as a Variant of Uncertain Significance.

NM_006946.4(SPTBN2):c.803C>T (p.Ser268Leu)

Gene: SPTBN2 (spectrin beta, non-erythrocytic 2; minus strand). Cytogenetic location: 11q13.2.
Variant type: single nucleotide variant.
Coding change: c.803C>T on transcript NM_006946.4 (MANE Select); coding-DNA position 803, C replaced by T.
Protein change: p.Ser268Leu; replaces serine 268 with leucine.
Molecular consequence: missense variant.
Genome position (GRCh38, 1-based): chr11:66,710,999, G>A on the plus strand (C>T on the coding strand, the complement: SPTBN2 is on the minus strand). VCF-style: chr11-66710999-G-A. GRCh37 (hg19) VCF-style: chr11-66478470-G-A.
Other names: c.824C>T, p.Ser275Leu (NM_001411025.1); short protein forms S268L, S275L.
Identifiers: ClinVar variation 2116390 (VCV002116390.4), dbSNP rs2496442233, ClinGen allele CA381482771.
Genomic context (GRCh38, chr11:66,710,999, plus strand): 5'-ACGGCCAGGGCCTTCATCTTGGAGAAGTAATGGTAGTAAGTAGCCACATAGGTAATGATT[G>A]ACTTCTCATCTGGCTGGTCCACATTCACGTCTGCAAGAGAGGACCATTTGGGTCAGGCCT-3'
Protein context (NP_008877.2, residues 258-278): DVNVDQPDEK[Ser268Leu]IITYVATYYH